The following is an entry in ClinVar:

ClinVar aggregate classification (germline): not provided (0 of 4 stars; one submission).

Conditions:
Familial cold autoinflammatory syndrome 1 (FCAS1). Also called: CRYOPYRIN-ASSOCIATED PERIODIC SYNDROME 1; Familial cold inflammatory syndrome 1. Identifiers: Orphanet 47045, MedGen C4551895, MONDO:0007349, OMIM 120100.

Submission:

Unité médicale des maladies autoinflammatoires, CHRU Montpellier
No classification provided. Condition: Familial cold urticaria. Review status: no classification provided. Collection method: not provided. Allele origin: unknown.
Comment: also involved in OMIM 191900 and 607115

NM_001243133.2(NLRP3):c.791T>A (p.Leu264His)

Gene: NLRP3 (NLR family pyrin domain containing 3; plus strand). Cytogenetic location: 1q44.
Variant type: single nucleotide variant.
Coding change: c.791T>A on transcript NM_001243133.2 (MANE Select); coding-DNA position 791, T replaced by A.
Protein change: p.Leu264His; replaces leucine 264 with histidine.
Molecular consequence: missense variant.
Genome position (GRCh38, 1-based): chr1:247,424,240, T>A. VCF-style: chr1-247424240-T-A. GRCh37 (hg19) VCF-style: chr1-247587542-T-A.
Other names: c.791T>A, p.Leu264His (NM_001127462.3, NM_183395.3, NM_001079821.3 and 1 more transcripts); c.797T>A, p.Leu266His (NM_004895.5); short protein forms L266H, L264H.
Identifiers: ClinVar variation 97975 (VCV000097975.1), dbSNP rs180177436, ClinGen allele CA281375.
Genomic context (GRCh38, chr1:247,424,240, plus strand): 5'-GGACACTCTACCAAGACAGGTTTGACTATCTGTTCTATATCCACTGTCGAGAGGTGAGCC[T>A]TGTGACACAGAGGAGCCTGGGGGACCTGATCATGAGCTGCTGCCCCGACCCAAACCCACC-3'
Protein context (NP_001230062.1, residues 254-274): LFYIHCREVS[Leu264His]VTQRSLGDLI